The following is an entry in ClinVar:

NM_199420.4(POLQ):c.5849C>G (p.Ser1950Cys)

Gene: POLQ (DNA polymerase theta; minus strand). Cytogenetic location: 3q13.33.
Variant type: single nucleotide variant.
Coding change: c.5849C>G on transcript NM_199420.4 (MANE Select); coding-DNA position 5849, C replaced by G.
Protein change: p.Ser1950Cys; replaces serine 1950 with cysteine.
Molecular consequence: missense variant.
Genome position (GRCh38, 1-based): chr3:121,483,507, G>C on the plus strand (C>G on the coding strand, the complement: POLQ is on the minus strand). VCF-style: chr3-121483507-G-C. GRCh37 (hg19) VCF-style: chr3-121202354-G-C.
Other names: short protein forms S1950C.
Identifiers: ClinVar variation 1750048 (VCV001750048.3), dbSNP rs370684220, ClinGen allele CA2562623.

ClinVar aggregate classification (germline): Uncertain significance (1 of 4 stars; one submission).

Allele frequency attached by ClinVar (database versions not stated): ExAC 0.00001; gnomAD exomes 0.00001; TOPMed 0.00001; gnomAD 0.00002; ESP Exome Variant Server 0.00008.
gnomAD v4.1: 7 of 1,606,286 alleles (0.00044%); highest among the groups gnomAD compares: Non-Finnish European, 0.00051%; no homozygotes.

Submission:

Ambry Genetics
Classification: Uncertain significance. Last evaluated: 2024-04-25. Review status: criteria provided, single submitter. Criteria: Ambry Variant Classification Scheme 2023. Collection method: clinical testing. Allele origin: germline.
Comment: The p.S1950C variant (also known as c.5849C>G), located in coding exon 18 of the POLQ gene, results from a C to G substitution at nucleotide position 5849. The serine at codon 1950 is replaced by cysteine, an amino acid with dissimilar properties. This amino acid position is conserved. In addition, this alteration is predicted to be tolerated by in silico analysis. Since supporting evidence is limited at this time, the clinical significance of this alteration remains unclear.